The following is an entry in ClinVar:

ClinVar aggregate classification (germline): Uncertain significance (1 of 4 stars; one submission).

Submission:

Mayo Clinic Laboratories, Mayo Clinic
Classification: Uncertain significance. Last evaluated: 2023-06-16. Review status: criteria provided, single submitter. Criteria: ACMG Guidelines, 2015. Collection method: clinical testing. Allele origin: germline. Observed: 1 variant allele.
Comment: BP4, PM2

NM_003859.3(DPM1):c.229C>G (p.Gln77Glu)

Gene: DPM1 (dolichyl-phosphate mannosyltransferase subunit 1, catalytic; minus strand). Cytogenetic location: 20q13.13.
Variant type: single nucleotide variant.
Coding change: c.229C>G on transcript NM_003859.3 (MANE Select); coding-DNA position 229, C replaced by G.
Protein change: p.Gln77Glu; replaces glutamine 77 with glutamic acid.
Molecular consequence: missense variant. On other transcripts: non-coding transcript variant (1).
Genome position (GRCh38, 1-based): chr20:50,955,218, G>C on the plus strand (C>G on the coding strand, the complement: DPM1 is on the minus strand). VCF-style: chr20-50955218-G-C. GRCh37 (hg19) VCF-style: chr20-49571755-G-C.
Other names: p.Gln77Glu; c.229C>G, p.Gln77Glu (NM_001317034.1, NM_001317035.1, NM_001317036.1); short protein forms Q77E.
Identifiers: ClinVar variation 2683547 (VCV002683547.1), dbSNP rs763694033, ClinGen allele CA315260208.